The following is an entry in ClinVar:

NM_021224.6(ZNF462):c.7301T>G (p.Leu2434Arg)

Genes: ZNF462 (zinc finger protein 462; plus strand), LOC340512 (uncharacterized LOC340512; minus strand). Cytogenetic location: 9q31.2.
Variant type: single nucleotide variant.
Coding change: c.7301T>G on transcript NM_021224.6 (MANE Select); coding-DNA position 7301, T replaced by G.
Protein change: p.Leu2434Arg; replaces leucine 2434 with arginine.
Molecular consequence: missense variant.
Genome position (GRCh38, 1-based): chr9:107,009,656, T>G. VCF-style: chr9-107009656-T-G. GRCh37 (hg19) VCF-style: chr9-109771937-T-G.
Other names: c.4706T>G, p.Leu1569Arg (NM_001347997.2); short protein forms L1569R, L2434R.
Identifiers: ClinVar variation 1712918 (VCV001712918.2), dbSNP rs2539924057, ClinGen allele CA374661415.

ClinVar aggregate classification (germline): Uncertain significance (1 of 4 stars; one submission).

Submission:

GeneDx
Classification: Uncertain significance. Last evaluated: 2022-04-22. Review status: criteria provided, single submitter. Criteria: GeneDx Variant Classification Process June 2021. Collection method: clinical testing. Allele origin: germline. Affected: yes.
Comment: Has not been previously published as pathogenic or benign to our knowledge; In silico analysis supports that this missense variant does not alter protein structure/function; Not observed at significant frequency in large population cohorts (gnomAD)